The following is an entry in ClinVar:

NM_022773.4(LMF1):c.998C>G (p.Pro333Arg)

Gene: LMF1 (lipase maturation factor 1; minus strand). Cytogenetic location: 16p13.3.
Variant type: single nucleotide variant.
Coding change: c.998C>G on transcript NM_022773.4 (MANE Select); coding-DNA position 998, C replaced by G.
Protein change: p.Pro333Arg; replaces proline 333 with arginine.
Molecular consequence: missense variant. On other transcripts: non-coding transcript variant (1).
Genome position (GRCh38, 1-based): chr16:871,241, G>C on the plus strand (C>G on the coding strand, the complement: LMF1 is on the minus strand). VCF-style: chr16-871241-G-C. GRCh37 (hg19) VCF-style: chr16-921241-G-C.
Other names: c.347C>G, p.Pro116Arg (NM_001352017.2, NM_001352021.2); c.599C>G, p.Pro200Arg (NM_001352018.2); c.671C>G, p.Pro224Arg (NM_001352019.2); c.998C>G, p.Pro333Arg (NM_001352020.1); short protein forms P200R, P224R, P333R, P116R.
Identifiers: ClinVar variation 1768814 (VCV001768814.2), dbSNP rs2069781336, ClinGen allele CA394127363.

ClinVar aggregate classification (germline): Uncertain significance (1 of 4 stars; one submission).

Conditions:
Cardiovascular phenotype. Identifiers: MedGen CN230736.

Submission:

Ambry Genetics
Classification: Uncertain significance for Cardiovascular phenotype. Last evaluated: 2022-10-27. Review status: criteria provided, single submitter. Criteria: Ambry Variant Classification Scheme 2023. Collection method: clinical testing. Allele origin: germline.
Comment: The p.P333R variant (also known as c.998C>G), located in coding exon 7 of the LMF1 gene, results from a C to G substitution at nucleotide position 998. The proline at codon 333 is replaced by arginine, an amino acid with dissimilar properties. This amino acid position is conserved. In addition, this alteration is predicted to be tolerated by in silico analysis. Since supporting evidence is limited at this time, the clinical significance of this alteration remains unclear.